The following is an entry in ClinVar:

ClinVar aggregate classification (germline): Conflicting classifications of pathogenicity. Review status: criteria provided, conflicting classifications (1 of 4 stars). 2 submissions from 2 submitters: Uncertain significance (1); Likely benign (1). Last evaluated 2024-08-24.

Conditions:
Cardiovascular phenotype. Identifiers: MedGen CN230736.

Allele frequency attached by ClinVar (database versions not stated): gnomAD exomes below 0.00001.
gnomAD v4.1: 7 of 1,613,388 alleles (0.00043%); highest among the groups gnomAD compares: Non-Finnish European, 0.00051%; no homozygotes.

Submissions (2):

Ambry Genetics
Classification: Likely benign for Cardiovascular phenotype. Last evaluated: 2024-08-24. Review status: criteria provided, single submitter. Criteria: Ambry Variant Classification Scheme 2023. Collection method: clinical testing. Allele origin: germline.

Labcorp Genetics (formerly Invitae), Labcorp
Classification: Uncertain significance. Last evaluated: 2022-07-11. Review status: criteria provided, single submitter. Criteria: Invitae Variant Classification Sherloc (09022015). Collection method: clinical testing. Allele origin: germline.
Comment: In summary, the available evidence is currently insufficient to determine the role of this variant in disease. Therefore, it has been classified as a Variant of Uncertain Significance. Algorithms developed to predict the effect of missense changes on protein structure and function output the following: SIFT: "Not Available"; PolyPhen-2: "Probably Damaging"; Align-GVGD: "Not Available". The threonine amino acid residue is found in multiple mammalian species, which suggests that this missense change does not adversely affect protein function. This variant has not been reported in the literature in individuals affected with APOA1-related conditions. The frequency data for this variant in the population databases is considered unreliable, as metrics indicate poor data quality at this position in the gnomAD database. This sequence change replaces alanine, which is neutral and non-polar, with threonine, which is neutral and polar, at codon 154 of the APOA1 protein (p.Ala154Thr).

NM_000039.3(APOA1):c.460G>A (p.Ala154Thr)

Genes: APOA1 (apolipoprotein A1; minus strand), APOA1-AS (APOA1 antisense RNA; plus strand). Cytogenetic location: 11q23.3.
Variant type: single nucleotide variant.
Coding change: c.460G>A on transcript NM_000039.3 (MANE Select); coding-DNA position 460, G replaced by A.
Protein change: p.Ala154Thr; replaces alanine 154 with threonine.
Molecular consequence: missense variant. On other transcripts: non-coding transcript variant (1).
Genome position (GRCh38, 1-based): chr11:116,836,152, C>T on the plus strand (G>A on the coding strand, the complement: APOA1 is on the minus strand). VCF-style: chr11-116836152-C-T. GRCh37 (hg19) VCF-style: chr11-116706868-C-T.
Other names: c.460G>A, p.Ala154Thr (NM_001318017.2, NM_001318018.2); c.133G>A, p.Ala45Thr (NM_001318021.2); short protein forms A45T, A154T.
Identifiers: ClinVar variation 1931763 (VCV001931763.6), dbSNP rs1424419114, ClinGen allele CA382715701.